The following is an entry in ClinVar:

NM_000421.5(KRT10):c.581G>A (p.Arg194His)

Genes: KRT10 (keratin 10; minus strand), KRT10-AS1 (KRT10 antisense RNA 1; plus strand). Cytogenetic location: 17q21.2.
Variant type: single nucleotide variant.
Coding change: c.581G>A on transcript NM_000421.5 (MANE Select); coding-DNA position 581, G replaced by A.
Protein change: p.Arg194His; replaces arginine 194 with histidine.
Molecular consequence: missense variant.
Genome position (GRCh38, 1-based): chr17:40,822,005, C>T on the plus strand (G>A on the coding strand, the complement: KRT10 is on the minus strand). VCF-style: chr17-40822005-C-T. GRCh37 (hg19) VCF-style: chr17-38978257-C-T.
Other names: c.581G>A, p.Arg194His (NM_001379366.1); short protein forms R194H.
Identifiers: ClinVar variation 4980865 (VCV004980865.1).

ClinVar aggregate classification (germline): Uncertain significance (1 of 4 stars; one submission).

Conditions:
KRT10-related disorder. Also called: KRT10-related condition.

gnomAD v4.1: 181 of 1,614,040 alleles (0.011%); highest among the groups gnomAD compares: Non-Finnish European, 0.015%; no homozygotes.

Submission:

PreventionGenetics, part of Exact Sciences
Classification: Uncertain significance for KRT10-related condition. Last evaluated: 2025-12-26. Review status: criteria provided, single submitter. Criteria: ACMG Guidelines, 2015. Collection method: clinical testing. Allele origin: germline.
Comment: The KRT10 c.581G>A variant is predicted to result in the amino acid substitution p.Arg194His. To our knowledge, this variant has not been reported in the literature. This variant is reported in 0.0085% of alleles in individuals of European (Non-Finnish) descent in gnomAD. At this time, the clinical significance of this variant is uncertain due to the absence of conclusive functional and genetic evidence.